The following is an entry in ClinVar:

ClinVar aggregate classification (germline): Likely benign (1 of 4 stars; one submission).

Allele frequency attached by ClinVar (database versions not stated): gnomAD exomes below 0.00001.
gnomAD v4.1: 4 of 1,541,388 alleles (0.00026%); highest among the groups gnomAD compares: Non-Finnish European, 0.00035%; no homozygotes.

Submission:

CeGaT Center for Human Genetics Tuebingen
Classification: Likely benign. Last evaluated: 2022-04-01. Review status: criteria provided, single submitter. Criteria: CeGaT Center For Human Genetics Tuebingen Variant Classification Criteria Version 2. Collection method: clinical testing. Allele origin: germline. Affected: yes. Observed: 1 variant allele.
Comment: SMARCC2: BP4, BP7

NM_001330288.2(SMARCC2):c.60C>G (p.Thr20=)

Genes: SMARCC2 (SWI/SNF related BAF chromatin remodeling complex subunit C2; minus strand), LOC130008058 (ATAC-STARR-seq lymphoblastoid silent region 4548; plus strand). Cytogenetic location: 12q13.2.
Variant type: single nucleotide variant.
Coding change: c.60C>G on transcript NM_001330288.2 (MANE Select); coding-DNA position 60, C replaced by G.
Protein change: p.Thr20=; no amino-acid change (threonine 20 retained).
Molecular consequence: synonymous variant.
Genome position (GRCh38, 1-based): chr12:56,189,402, G>C on the plus strand (C>G on the coding strand, the complement: SMARCC2 is on the minus strand). VCF-style: chr12-56189402-G-C. GRCh37 (hg19) VCF-style: chr12-56583186-G-C.
Other names: c.60C>G, p.Thr20= (NM_001130420.3, NM_003075.5, NM_139067.4).
Identifiers: ClinVar variation 2643088 (VCV002643088.24), dbSNP rs1385948076, ClinGen allele CA480186900.